The following is an entry in ClinVar:

NM_000107.3(DDB2):c.1126G>A (p.Asp376Asn)

Gene: DDB2 (damage specific DNA binding protein 2; plus strand). Cytogenetic location: 11p11.2.
Variant type: single nucleotide variant.
Coding change: c.1126G>A on transcript NM_000107.3 (MANE Select); coding-DNA position 1126, G replaced by A.
Protein change: p.Asp376Asn; replaces aspartic acid 376 with asparagine.
Molecular consequence: missense variant. On other transcripts: non-coding transcript variant (2).
Genome position (GRCh38, 1-based): chr11:47,237,939, G>A. VCF-style: chr11-47237939-G-A. GRCh37 (hg19) VCF-style: chr11-47259490-G-A.
Other names: c.559G>A, p.Asp187Asn (NM_001300734.2, NM_001399876.1); c.1126G>A, p.Asp376Asn (NM_001399874.1, NM_001399875.1); c.934G>A, p.Asp312Asn (NM_001399878.1); short protein forms D187N, D312N, D376N.
Identifiers: ClinVar variation 1692144 (VCV001692144.1), dbSNP rs375649516, ClinGen allele CA5972716.

ClinVar aggregate classification (germline): Uncertain significance (1 of 4 stars; one submission).

Conditions:
Xeroderma pigmentosum (XP). Identifiers: Orphanet 910, MedGen C0043346, MONDO:0019600.

Allele frequency attached by ClinVar (database versions not stated): ExAC 0.00002; TOPMed 0.00002; gnomAD 0.00003 and 0.00004; gnomAD exomes 0.00003 and 0.00008; ESP Exome Variant Server 0.00008.
gnomAD v4.1: 121 of 1,614,020 alleles (0.0075%); highest among the groups gnomAD compares: Non-Finnish European, 0.0096%; no homozygotes.

Submission:

Sema4
Classification: Uncertain significance for Xeroderma pigmentosum. Last evaluated: 2022-01-23. Review status: criteria provided, single submitter. Criteria: Sema4 Curation Guidelines. Collection method: curation. Allele origin: germline.
Comment: The DDB2 c.1126G>A (p.D376N) variant has not been reported in the literature to our knowledge. It was observed in 6/113768 chromosomes of the Non-Finnish European subpopulation in the large and broad cohorts of the Genome Aggregation Database (PMID: 32461654). The variant has not been reported in ClinVar. Functional studies have not been performed, and in silico predictions of the variant's effect on protein function are inconclusive. The evidence is insufficient to meet ACMG/AMP criteria for classifying the variant as benign or pathogenic. Thus, the clinical significance of this variant is currently uncertain.